The following is an entry in ClinVar:

NM_000038.6(APC):c.220G>C (p.Glu74Gln)

Gene: APC (APC regulator of Wnt signaling pathway; plus strand). Cytogenetic location: 5q22.2.
Variant type: single nucleotide variant.
Coding change: c.220G>C on transcript NM_000038.6 (MANE Select); coding-DNA position 220, G replaced by C.
Protein change: p.Glu74Gln; replaces glutamic acid 74 with glutamine.
Molecular consequence: missense variant. On other transcripts: 5 prime UTR variant (1).
Genome position (GRCh38, 1-based): chr5:112,766,410, G>C. VCF-style: chr5-112766410-G-C. GRCh37 (hg19) VCF-style: chr5-112102107-G-C.
Other names: c.220G>C, p.Glu74Gln (NM_001127510.3, NM_001354895.2, NM_001354896.2 and 2 more transcripts); c.250G>C, p.Glu84Gln (NM_001127511.3, NM_001354897.2, NM_001354902.2); c.145G>C, p.Glu49Gln (NM_001354898.2, NM_001354904.2); c.43G>C, p.Glu15Gln (NM_001354900.2, NM_001354901.2, NM_001354905.2); c.-816G>C (NM_001354906.2); short protein forms E74Q, E84Q, E49Q, E15Q.
Identifiers: ClinVar variation 469733 (VCV000469733.11), dbSNP rs876658941, ClinGen allele CA16021823.

ClinVar aggregate classification (germline): Uncertain significance. Review status: criteria provided, multiple submitters, no conflicts (2 of 4 stars). 2 submissions from 2 submitters: Uncertain significance (2). Last evaluated 2021-01-16.

Conditions:
Familial adenomatous polyposis 1 (FAP1). Also called: POLYPOSIS, ADENOMATOUS INTESTINAL; FAMILIAL ADENOMATOUS POLYPOSIS 1, ATTENUATED. Identifiers: MedGen C2713442, MONDO:0021056, OMIM 175100. Disease mechanism: loss of function.

Submissions (2):

Women's Health and Genetics/Laboratory Corporation of America, LabCorp
Classification: Uncertain significance. Last evaluated: 2021-01-16. Review status: criteria provided, single submitter. Criteria: LabCorp Variant Classification Summary - May 2015. Collection method: clinical testing. Allele origin: germline.
Comment: Variant summary: APC c.220G>C (p.Glu74Gln), located in the exonic splice region as the last nucleotide alteration of APC exon 3, results in a conservative amino acid change in the encoded protein sequence. Three of five in-silico tools predict a benign effect of the variant on protein function. Several computational tools predict a significant impact on normal splicing: Four predict the variant abolishes the canonical 5' splicing donor site. However, these predictions have yet to be confirmed by functional studies. The variant was absent in 250308 control chromosomes. The available data on variant occurrences in the general population are insufficient to allow any conclusion about variant significance. To our knowledge, no occurrence of c.220G>C in individuals affected with Familial Adenomatous Polyposis and no experimental evidence demonstrating its impact on protein function have been reported. One clinical diagnostic laboratory has submitted clinical-significance assessments for this variant to ClinVar after 2014 and classified the variant as uncertain significance based upon identical ascertainment criteria. Based on the evidence outlined above, the variant was classified as uncertain significance.

Labcorp Genetics (formerly Invitae), Labcorp
Classification: Uncertain significance for Familial adenomatous polyposis 1. Last evaluated: 2020-05-13. Review status: criteria provided, single submitter. Criteria: Invitae Variant Classification Sherloc (09022015). Collection method: clinical testing. Allele origin: germline.
Comment: In summary, this is a novel missense change with uncertain impact on protein function. It has been classified as a Variant of Uncertain Significance. Nucleotide substitutions within the consensus splice site are relatively common causes of aberrant splicing (PMID: 17576681, 9536098). Algorithms developed to predict the effect of nucleotide changes on RNA splicing suggest that this variant may alter RNA splicing, but this prediction has not been confirmed by published transcriptional studies. This variant is not present in population databases (ExAC no frequency) and has not been reported in the literature in individuals with a APC-related disease. This sequence change replaces glutamic acid with glutamine at codon 74 of the APC protein (p.Glu74Gln). The glutamic acid residue is highly conserved and there is a small physicochemical difference between glutamic acid and glutamine. This variant also falls at the last nucleotide of exon 3 of the APC coding sequence, which is part of the consensus splice site for this exon.

Literature cited by the submitters: PubMed 17576681 (cited by Labcorp Genetics (formerly Invitae), Labcorp); PubMed 9536098 (cited by Labcorp Genetics (formerly Invitae), Labcorp).